The following is an entry in ClinVar:

NM_133433.4(NIPBL):c.5336G>A (p.Arg1779Gln)

Gene: NIPBL (NIPBL cohesin loading factor; plus strand). Cytogenetic location: 5p13.2.
Variant type: single nucleotide variant.
Coding change: c.5336G>A on transcript NM_133433.4 (MANE Select); coding-DNA position 5336, G replaced by A.
Protein change: p.Arg1779Gln; replaces arginine 1779 with glutamine.
Molecular consequence: missense variant.
Genome position (GRCh38, 1-based): chr5:37,022,058, G>A. VCF-style: chr5-37022058-G-A. GRCh37 (hg19) VCF-style: chr5-37022160-G-A.
Other names: c.5336G>A, p.Arg1779Gln (NM_015384.5); short protein forms R1779Q.
Identifiers: ClinVar variation 2135983 (VCV002135983.1), dbSNP rs2478336848, ClinGen allele CA359489181.

ClinVar aggregate classification (germline): Uncertain significance (1 of 4 stars; one submission).

Submission:

GeneDx
Classification: Uncertain significance. Last evaluated: 2022-07-14. Review status: criteria provided, single submitter. Criteria: GeneDx Variant Classification Process June 2021. Collection method: clinical testing. Allele origin: germline. Affected: yes.
Comment: Not observed at significant frequency in large population cohorts (gnomAD); In silico analysis supports that this missense variant does not alter protein structure/function; Has not been previously published as pathogenic or benign to our knowledge